The following is an entry in ClinVar:

ClinVar aggregate classification (germline): Conflicting classifications of pathogenicity. Review status: criteria provided, conflicting classifications (1 of 4 stars). 12 submissions from 11 submitters: Likely pathogenic (1); Benign (10); Likely benign (1). Last evaluated 2026-02-04.

Conditions:
Autoinflammatory syndrome. Identifiers: Orphanet 93665, MedGen C3890737, MONDO:0019751.
Pityriasis rubra pilaris (PRP). Also called: Pityriasis rubra pilaris--familial type. Identifiers: Orphanet 2897, MedGen C0032027, MONDO:0100017, OMIM 173200, MONDO:0008251.
Psoriasis 2. Identifiers: MedGen C1864497, MONDO:0011269, OMIM 602723.

Allele frequency attached by ClinVar (database versions not stated): 1000 Genomes Project 30x 0.35181; 1000 Genomes Project 0.35304; TOPMed 0.38491; gnomAD 0.39765 and 0.39960; ESP Exome Variant Server 0.40932; gnomAD exomes 0.41353; ExAC 0.42445.
gnomAD v4.1: 757,906 of 1,612,294 alleles (47%); highest among the groups gnomAD compares: East Asian, 54%; 183,807 homozygotes.

Submissions (12):

Labcorp Genetics (formerly Invitae), Labcorp
Classification: Benign for Pityriasis rubra pilaris; Psoriasis 2. Last evaluated: 2026-02-04. Review status: criteria provided, single submitter. Criteria: Invitae Variant Classification Sherloc (09022015). Collection method: clinical testing. Allele origin: germline.

Women's Health and Genetics/Laboratory Corporation of America, LabCorp
Classification: Benign. Last evaluated: 2026-01-22. Review status: criteria provided, single submitter. Criteria: LabCorp Variant Classification Summary - May 2015. Collection method: clinical testing. Allele origin: germline.
Comment: Variant summary: CARD14 c.2458C>T (p.Arg820Trp) results in a non-conservative amino acid change in the encoded protein sequence. Algorithms developed to predict the effect of missense changes on protein structure and function are either unavailable or do not agree on the potential impact of this missense change. The variant allele was found at a frequency of 0.41 in 247554 control chromosomes in the gnomAD database, including 22358 homozygotes. The observed variant frequency exceeds the estimated maximal expected allele frequency for disease-causing variants in CARD14. To our knowledge, no occurrence of c.2458C>T in individuals affected with CARD14-related conditions and no experimental evidence demonstrating its impact on protein function have been reported. ClinVar contains an entry for this variant (Variation ID: 402487). Based on the evidence outlined above, the variant was classified as benign.

Blueprint Genetics
Classification: Likely benign. Last evaluated: 2024-11-28. Review status: criteria provided, single submitter. Criteria: ACMG Guidelines, 2015. Collection method: clinical testing. Allele origin: germline.

Clinical Genomics, Uppaluri K&H Personalized Medicine Clinic
Classification: Likely pathogenic for Pityriasis rubra pilaris. Last evaluated: 2024-02-21. Review status: criteria provided, single submitter. Criteria: K &amp; H Uppaluri Personalized Medicine Clinic Variant Classification &amp; Assertion Criteria_Updated V.1. Collection method: clinical testing. Allele origin: germline. Inheritance: Autosomal dominant inheritance. Affected: yes. Observed: 1 heterozygote.
Comment: CARD14 is a scaffold protein that mediates NF-κB signal transduction in skin keratinocytes. Potent mutations in Card14 have been shown to be associated with familial pustular psoriasis and other cutaneous inflammatory conditions like Pytriasis rubra pilaris. Sufficient evidence is found to confer the association of this particular variant rs11652075 with psoriasis.This variant is found to be a potent moderate impact, deleterious variant with a CADD score of 20.9 and sufficient scientific evidence to support the reported classification. This is found more frequently in psoriasis as per recent evidence as well.

Unidad de Genómica Garrahan, Hospital de Pediatría Garrahan
Classification: Benign. Last evaluated: 2023-11-12. Review status: criteria provided, single submitter. Criteria: ACMG Guidelines, 2015. Collection method: clinical testing. Allele origin: germline. Affected: no. Observed: 58 variant alleles.
Comment: This variant is classified as Benign based on local population frequency. This variant was detected in 60% of patients studied by a panel of primary immunodeficiencies. Number of patients: 58. Only high quality variants are reported.

Genome Diagnostics Laboratory, The Hospital for Sick Children
Classification: Benign for Autoinflammatory syndrome. Last evaluated: 2022-01-14. Review status: criteria provided, single submitter. Criteria: ACMG Guidelines, 2015. Collection method: clinical testing. Allele origin: germline. Affected: yes.

Genome-Nilou Lab
Classification: Benign for Pityriasis rubra pilaris. Last evaluated: 2021-07-14. Review status: criteria provided, single submitter. Criteria: ACMG Guidelines, 2015. Collection method: clinical testing. Allele origin: germline. Affected: no.

Genome-Nilou Lab
Classification: Benign for Psoriasis 2. Last evaluated: 2021-07-14. Review status: criteria provided, single submitter. Criteria: ACMG Guidelines, 2015. Collection method: clinical testing. Allele origin: germline. Affected: no.

GeneDx
Classification: Benign. Last evaluated: 2018-07-05. Review status: criteria provided, single submitter. Criteria: GeneDx Variant Classification Process June 2021. Collection method: clinical testing. Allele origin: germline. Affected: yes.
Comment: This variant is associated with the following publications: (PMID: 27706581, 26249641, 31994212, 23905699, 26854129, 30018619, 23143594)

Mayo Clinic Laboratories, Mayo Clinic
Classification: Benign. Last evaluated: 2018-03-22. Review status: criteria provided, single submitter. Criteria: ACMG Guidelines, 2015. Collection method: clinical testing. Allele origin: germline. Observed: 691 variant alleles.

Laboratory for Molecular Medicine, Mass General Brigham Personalized Medicine
Classification: Benign. Last evaluated: 2016-03-29. Review status: criteria provided, single submitter. Criteria: LMM Criteria. Collection method: clinical testing. Allele origin: germline.
Comment: Variant identified in a genome or exome case(s) and assessed due to predicted null impact of the variant or pathogenic assertions in the literature or databases. Disclaimer: This variant has not undergone full assessment. The following are preliminary notes: Frequency

Breakthrough Genomics
Classification: Benign. Review status: criteria provided, single submitter. Criteria: ACMG Guidelines, 2015. Collection method: not provided. Allele origin: germline. Inheritance: Autosomal dominant inheritance. Affected: yes.

Literature cited by the submitters: PubMed 30018619 (cited by Clinical Genomics, Uppaluri K&H Personalized Medicine Clinic); PubMed 26255310 (cited by Clinical Genomics, Uppaluri K&H Personalized Medicine Clinic).

NM_001366385.1(CARD14):c.2458C>T (p.Arg820Trp)

Genes: CARD14 (caspase recruitment domain family member 14; plus strand), SGSH (N-sulfoglucosamine sulfohydrolase; minus strand), LOC126862662 (MED14-independent group 3 enhancer GRCh37_chr17:78178385-78179584; plus strand). Cytogenetic location: 17q25.3.
Variant type: single nucleotide variant.
Coding change: c.2458C>T on transcript NM_001366385.1 (MANE Select); coding-DNA position 2458, C replaced by T.
Protein change: p.Arg820Trp; replaces arginine 820 with tryptophan.
Molecular consequence: missense variant. On other transcripts: non-coding transcript variant (1).
Genome position (GRCh38, 1-based): chr17:80,205,094, C>T. VCF-style: chr17-80205094-C-T. GRCh37 (hg19) VCF-style: chr17-78178893-C-T.
Other names: c.2458C>T, p.Arg820Trp (NM_024110.4); short protein forms R820W.
Identifiers: ClinVar variation 402487 (VCV000402487.28), dbSNP rs11652075, ClinGen allele CA8817331.